The following is an entry in ClinVar:

ClinVar aggregate classification (germline): Uncertain significance (1 of 4 stars; one submission).

Submission:

GeneDx
Classification: Uncertain significance. Last evaluated: 2022-01-20. Review status: criteria provided, single submitter. Criteria: GeneDx Variant Classification Process June 2021. Collection method: clinical testing. Allele origin: germline. Affected: yes.
Comment: Not observed in large population cohorts (gnomAD); In-frame deletion of one amino acid in a non-repeat region; In silico analysis, which includes protein predictors and evolutionary conservation, supports a deleterious effect; Has not been previously published as pathogenic or benign to our knowledge

NM_181332.3(NLGN4X):c.703GAG[1] (p.Glu236del)

Gene: NLGN4X (neuroligin 4 X-linked; minus strand). Cytogenetic location: Xp22.32.
Variant type: Microsatellite.
Coding change: c.703GAG[1] on transcript NM_181332.3 (MANE Select); one copy of the 3-base unit GAG starting at c.703; the reference has two copies in a row; one copy, 3 bases deleted.
Protein change: p.Glu236del; deletes glutamic acid 236.
Molecular consequence: inframe deletion.
Genome position (GRCh38, 1-based): chrX:5,909,157-5,909,159, CTC deleted on the plus strand (GAG on the coding strand, the reverse complement: NLGN4X is on the minus strand); deleting any 3 consecutive bases within chrX:5,909,157-5,909,162 gives the same sequence; the position shown is the placement nearest the transcript's 3' end. VCF-style (leftmost placement, unchanged base first): chrX-5909156-TCTC-T. GRCh37 (hg19) VCF-style: chrX-5827197-TCTC-T.
Other names: c.703GAG[1], p.Glu236del (NM_001282145.2, NM_001282146.2, NM_020742.4); short protein forms E236del.
Identifiers: ClinVar variation 1218968 (VCV001218968.5), dbSNP rs2146761337, ClinGen allele CA2580615365.